The following is an entry in ClinVar:

NM_006586.5(CNPY3):c.317G>T (p.Arg106Met)

Genes: CNPY3 (canopy FGF signaling regulator 3; plus strand), CNPY3-GNMT (CNPY3-GNMT readthrough; plus strand). Cytogenetic location: 6p21.1.
Variant type: single nucleotide variant.
Coding change: c.317G>T on transcript NM_006586.5 (MANE Select); coding-DNA position 317, G replaced by T.
Protein change: p.Arg106Met; replaces arginine 106 with methionine.
Molecular consequence: missense variant. On other transcripts: 3 prime UTR variant (1), non-coding transcript variant (7), intron variant (3).
Genome position (GRCh38, 1-based): chr6:42,935,615, G>T. VCF-style: chr6-42935615-G-T. GRCh37 (hg19) VCF-style: chr6-42903353-G-T.
Other names: c.416G>T, p.Arg139Met (NM_001318842.1); c.50G>T, p.Arg17Met (NM_001318845.1); c.*28G>T (NM_001318847.2); c.317G>T, p.Arg106Met (NM_001318848.2); c.8+5894G>T (NM_001318856.2); c.151+5894G>T (NM_001318857.2, NM_001318858.2); short protein forms R106M, R139M, R17M.
Identifiers: ClinVar variation 3353926 (VCV003353926.1).

ClinVar aggregate classification (germline): Uncertain significance (0 of 4 stars; one submission).

Conditions:
CNPY3-related disorder. Also called: CNPY3-related condition.

gnomAD v4.1: 7 of 1,612,126 alleles (0.00043%); highest among the groups gnomAD compares: African/African-American, 0.0027%; no homozygotes.

Submission:

PreventionGenetics, part of Exact Sciences
Classification: Uncertain significance for CNPY3-related condition. Last evaluated: 2024-08-06. Review status: no assertion criteria provided. Collection method: clinical testing. Allele origin: germline.
Comment: The CNPY3 c.317G>T variant is predicted to result in the amino acid substitution p.Arg106Met. To our knowledge, this variant has not been reported in the literature or in a large population database, indicating this variant is rare. At this time, the clinical significance of this variant is uncertain due to the absence of conclusive functional and genetic evidence.